The following is an entry in ClinVar:

NM_001267550.2(TTN):c.42839A>G (p.Asp14280Gly)

Gene: TTN (titin; minus strand). Cytogenetic location: 2q31.2.
Variant type: single nucleotide variant.
Coding change: c.42839A>G on transcript NM_001267550.2 (MANE Select); coding-DNA position 42839, A replaced by G.
Protein change: p.Asp14280Gly; replaces aspartic acid 14280 with glycine.
Molecular consequence: missense variant.
Genome position (GRCh38, 1-based): chr2:178,633,520, T>C on the plus strand (A>G on the coding strand, the complement: TTN is on the minus strand). VCF-style: chr2-178633520-T-C. GRCh37 (hg19) VCF-style: chr2-179498247-T-C.
Other names: c.37916A>G, p.Asp12639Gly (NM_001256850.1); c.15644A>G, p.Asp5215Gly (NM_003319.4); c.35135A>G, p.Asp11712Gly (NM_133378.4); c.16019A>G, p.Asp5340Gly (NM_133432.3); c.16220A>G, p.Asp5407Gly (NM_133437.4); short protein forms D11712G, D14280G, D12639G, D5340G, D5215G, D5407G.
Identifiers: ClinVar variation 191968 (VCV000191968.11), dbSNP rs181902304, ClinGen allele CA237989.

ClinVar aggregate classification (germline): Conflicting classifications of pathogenicity. Review status: criteria provided, conflicting classifications (1 of 4 stars). 7 submissions from 7 submitters: Uncertain significance (3); Likely benign (4). Last evaluated 2026-09-21.

Conditions:
TTN-related disorder. Also called: TTN-related condition; TTN-related disease; TTN-related disorders.
Cardiovascular phenotype. Identifiers: MedGen CN230736.
Autosomal recessive limb-girdle muscular dystrophy type 2J (LGMDR10). Also called: MUSCULAR DYSTROPHY, LIMB-GIRDLE, AUTOSOMAL RECESSIVE 10; Limb-girdle muscular dystrophy, type 2J. Identifiers: Orphanet 140922, MedGen C1837342, MONDO:0012127, OMIM 608807.
Dilated cardiomyopathy 1G (CMD1G). Identifiers: Orphanet 154, MedGen C1858763, MONDO:0011400, OMIM 604145.

Allele frequency attached by ClinVar (database versions not stated): gnomAD 0.00008; gnomAD exomes 0.00009 and 0.00005; ExAC 0.00006; TOPMed 0.00010; ESP Exome Variant Server 0.00017.
gnomAD v4.1: 88 of 1,613,286 alleles (0.0055%); highest among the groups gnomAD compares: Admixed American, 0.017%; no homozygotes.

Submissions (7):

Molecular Diagnostic Laboratory for Inherited Cardiovascular Disease, Montreal Heart Institute
Classification: Likely benign. Last evaluated: 2026-09-21. Review status: criteria provided, single submitter. Criteria: ACMG Guidelines, 2015. Collection method: clinical testing. Allele origin: germline. Affected: no.
Comment: BP1

PreventionGenetics, part of Exact Sciences
Classification: Uncertain significance for TTN-related condition. Last evaluated: 2026-03-18. Review status: criteria provided, single submitter. Criteria: ACMG Guidelines, 2015. Collection method: clinical testing. Allele origin: germline.
Comment: The TTN c.42839A>G variant is predicted to result in the amino acid substitution p.Asp14280Gly. To our knowledge, this variant has not been reported in the literature in individuals with TTN-related disorders. This variant is reported in 0.028% of alleles in individuals of Latino descent in gnomAD. At this time, the clinical significance of this variant is uncertain due to the absence of conclusive functional and genetic evidence.

Blueprint Genetics
Classification: Likely benign. Last evaluated: 2022-02-09. Review status: criteria provided, single submitter. Criteria: ACMG Guidelines, 2015. Collection method: clinical testing. Allele origin: germline.

Ambry Genetics
Classification: Likely benign for Cardiovascular phenotype. Last evaluated: 2020-09-02. Review status: criteria provided, single submitter. Criteria: Ambry Variant Classification Scheme 2023. Collection method: clinical testing. Allele origin: germline.

GeneDx
Classification: Likely benign. Last evaluated: 2020-06-24. Review status: criteria provided, single submitter. Criteria: GeneDx Variant Classification Process June 2021. Collection method: clinical testing. Allele origin: germline. Affected: yes.

Labcorp Genetics (formerly Invitae), Labcorp
Classification: Uncertain significance for Dilated cardiomyopathy 1G; Autosomal recessive limb-girdle muscular dystrophy type 2J. Last evaluated: 2018-01-02. Review status: criteria provided, single submitter. Criteria: Invitae Variant Classification Sherloc (09022015). Collection method: clinical testing. Allele origin: germline.

Biesecker Lab/Clinical Genomics Section, National Institutes of Health
Classification: Uncertain significance. Last evaluated: 2013-06-24. Review status: criteria provided, single submitter. Criteria: Ng et al. (Circ Cardiovasc Genet. 2013). Collection method: research. Allele origin: unknown. Observed: 1 variant allele. Study: ClinSeq.
Comment: The study set was not selected for affection status in relation to any cancer. Pathogenicity categories were based on literature curation. See Pubmed ID:23861362 for details.

Medical sequencing

Literature cited by the submitters: PubMed 23861362 (cited by Ambry Genetics).